The following is an entry in ClinVar:

NC_000007.14:g.128775624A>G

Gene: OPN1SW (opsin 1, short wave sensitive; minus strand). Cytogenetic location: 7q32.1.
Variant type: single nucleotide variant.
Genome position: GRCh38 VCF-style: chr7-128775624-A-G. GRCh37 (hg19) VCF-style: chr7-128415678-A-G.
Other names: NM_001708.2:c.167T>C.
Identifiers: ClinVar variation 840019 (VCV000840019.7), dbSNP rs377490003, ClinGen allele CA4473043.

ClinVar aggregate classification (germline): Uncertain significance (1 of 4 stars; one submission).

Allele frequency attached by ClinVar (database versions not stated): ExAC 0.00002; gnomAD exomes 0.00002; gnomAD 0.00003; TOPMed 0.00004; ESP Exome Variant Server 0.00008.

Submission:

Labcorp Genetics (formerly Invitae), Labcorp
Classification: Uncertain significance. Last evaluated: 2025-03-17. Review status: criteria provided, single submitter. Criteria: Invitae Variant Classification Sherloc (09022015). Collection method: clinical testing. Allele origin: germline.
Comment: This sequence change replaces leucine, which is neutral and non-polar, with proline, which is neutral and non-polar, at codon 56 of the OPN1SW protein (p.Leu56Pro). This variant is present in population databases (rs377490003, gnomAD 0.01%). This missense change has been observed in individual(s) with clinical features of tritan color vision deficiency (PMID: 16961973). ClinVar contains an entry for this variant (Variation ID: 840019). An algorithm developed to predict the effect of missense changes on protein structure and function (PolyPhen-2) suggests that this variant is likely to be disruptive. In summary, the available evidence is currently insufficient to determine the role of this variant in disease. Therefore, it has been classified as a Variant of Uncertain Significance.

Literature cited by the submitters: PubMed 16961973.